The following is an entry in ClinVar:

ClinVar aggregate classification (germline): Pathogenic. Review status: criteria provided, multiple submitters, no conflicts (2 of 4 stars). 8 submissions from 8 submitters: Pathogenic (7). 1 of the submissions does not count toward it. Last evaluated 2026-01-24.

Conditions:
Hereditary cancer-predisposing syndrome. Also called: Hereditary neoplastic syndrome; Neoplastic Syndromes, Hereditary; Tumor predisposition; Hereditary Cancer Syndrome. Identifiers: Orphanet 140162, MedGen C0027672, MeSH D009386, MONDO:0015356.
Familial cancer of breast. Also called: BREAST CANCER, FAMILIAL; Hereditary breast cancer; hereditary breast carcinoma. Identifiers: Orphanet 227535, MedGen C0346153, MONDO:0016419, OMIM 114480. Disease mechanism: loss of function.

Submissions (8):

Labcorp Genetics (formerly Invitae), Labcorp
Classification: Pathogenic for Familial cancer of breast. Last evaluated: 2026-01-24. Review status: criteria provided, single submitter. Criteria: Invitae Variant Classification Sherloc (09022015). Collection method: clinical testing. Allele origin: germline.
Comment: This sequence change creates a premature translational stop signal (p.Trp1164*) in the PALB2 gene. While this is not anticipated to result in nonsense mediated decay, it is expected to disrupt the last 23 amino acid(s) of the PALB2 protein. This variant is not present in population databases (gnomAD no frequency). This variant has not been reported in the literature in individuals affected with PALB2-related conditions. ClinVar contains an entry for this variant (Variation ID: 246354). This variant disrupts a region of the PALB2 protein in which other variant(s) (p.Tyr1183*) have been determined to be pathogenic (PMID: 17200668, 17200671, 19609323, 21365267, 22241545, 26315354). This suggests that this is a clinically significant region of the protein, and that variants that disrupt it are likely to be disease-causing. For these reasons, this variant has been classified as Pathogenic.

Ambry Genetics
Classification: Pathogenic for Hereditary cancer-predisposing syndrome. Last evaluated: 2025-11-13. Review status: criteria provided, single submitter. Criteria: Ambry Variant Classification Scheme 2023. Collection method: clinical testing. Allele origin: germline.
Comment: The p.W1164* pathogenic mutation (also known as c.3492G>A), located in coding exon 13 of the PALB2 gene, results from a G to A substitution at nucleotide position 3492. This changes the amino acid from a tryptophan to a stop codon within coding exon 13. This alteration occurs at the 3' terminus of the gene, is not expected to trigger nonsense-mediated mRNA decay, and impacts the last 23 amino acids of the protein. However, premature stop codons are typically deleterious in nature and the impacted region is critical for protein function (Ambry internal data). This variant is considered to be rare based on population cohorts in the Genome Aggregation Database (gnomAD). Based on the supporting evidence, this variant is interpreted as a disease-causing mutation.

Molecular Pathology, Peter Maccallum Cancer Centre
Classification: Pathogenic for Familial cancer of breast. Last evaluated: 2024-09-12. Review status: criteria provided, single submitter. Criteria: ACMG Guidelines, 2015. Collection method: clinical testing. Allele origin: germline. Inheritance: Autosomal dominant inheritance.

GeneDx
Classification: Pathogenic. Last evaluated: 2024-06-21. Review status: criteria provided, single submitter. Criteria: GeneDx Variant Classification Process June 2021. Collection method: clinical testing. Allele origin: germline. Affected: yes.
Comment: Nonsense variant predicted to result in protein truncation or nonsense mediated decay in a gene for which loss of function is a known mechanism of disease; Not observed at significant frequency in large population cohorts (gnomAD); Truncating variants in this gene are considered pathogenic by a well-established clinical consortium and/or database; Has not been previously published as pathogenic or benign to our knowledge; This variant is associated with the following publications: (PMID: 37511102, 24485656, 19609323, 20871615)

Color Diagnostics, LLC DBA Color Health
Classification: Pathogenic for Hereditary cancer-predisposing syndrome. Last evaluated: 2024-03-19. Review status: criteria provided, single submitter. Criteria: ACMG Guidelines, 2015. Collection method: clinical testing. Allele origin: germline.
Comment: This variant changes 1 nucleotide in exon 13 of the PALB2 gene, creating a premature translation stop signal. This variant truncates the functionally important WD40-repeat domain of the protein (PMID: 25833843) and is expected to cause a non-functional protein product. To our knowledge, this variant has not been reported in individuals affected with hereditary cancer in the literature. Nonsense truncation variants at p.Tyr1183* located C-terminal to this variant have been reported in over ten individuals affected with breast or ovarian cancer (PMID: 20927582, 25099575, 26296701, 26315354, 26681312, 26641009) and in three compound heterozygous individuals diagnosed with Fanconi anemia (PMID: 17200671). This variant has not been identified in the general population by the Genome Aggregation Database (gnomAD). Loss of PALB2 function is a known mechanism of disease. Based on the available evidence, this variant is classified as Pathogenic.

Myriad Genetics, Inc.
Classification: Pathogenic for Familial cancer of breast. Last evaluated: 2023-03-30. Review status: criteria provided, single submitter. Criteria: Myriad Autosomal Dominant, Autosomal Recessive and X-Linked Classification Criteria (2023). Collection method: clinical testing. Allele origin: unknown.
Comment: This variant is considered pathogenic. This variant creates a termination codon and is predicted to result in premature protein truncation.

Mendelics
Classification: Pathogenic for Familial cancer of breast. Last evaluated: 2022-05-04. Review status: criteria provided, single submitter. Criteria: Mendelics Assertion Criteria 2019. Collection method: clinical testing. Allele origin: germline.

Counsyl
Classification: Likely pathogenic for Familial cancer of breast. Last evaluated: 2017-07-17. Review status: no assertion criteria provided. Collection method: clinical testing. Allele origin: unknown. Not counted in ClinVar's aggregate classification.

Literature cited by the submitters: PubMed 17200668 (cited by Labcorp Genetics (formerly Invitae), Labcorp); PubMed 17200671 (cited by Labcorp Genetics (formerly Invitae), Labcorp and Color Diagnostics, LLC DBA Color Health); PubMed 19609323 (cited by Labcorp Genetics (formerly Invitae), Labcorp and Ambry Genetics); PubMed 21365267 (cited by Labcorp Genetics (formerly Invitae), Labcorp); PubMed 22241545 (cited by Labcorp Genetics (formerly Invitae), Labcorp); PubMed 26315354 (cited by Labcorp Genetics (formerly Invitae), Labcorp and Color Diagnostics, LLC DBA Color Health); PubMed 20927582 (cited by Color Diagnostics, LLC DBA Color Health); PubMed 25099575 (cited by Color Diagnostics, LLC DBA Color Health); PubMed 25833843 (cited by Color Diagnostics, LLC DBA Color Health); PubMed 26296701 (cited by Color Diagnostics, LLC DBA Color Health); PubMed 26641009 (cited by Color Diagnostics, LLC DBA Color Health); PubMed 26681312 (cited by Color Diagnostics, LLC DBA Color Health).

NM_024675.4(PALB2):c.3492G>A (p.Trp1164Ter)

Gene: PALB2 (partner and localizer of BRCA2; minus strand). Cytogenetic location: 16p12.2.
Variant type: single nucleotide variant.
Coding change: c.3492G>A on transcript NM_024675.4 (MANE Select); coding-DNA position 3492, G replaced by A.
Protein change: p.Trp1164Ter; replaces tryptophan 1164 with a stop codon.
Molecular consequence: nonsense.
Genome position (GRCh38, 1-based): chr16:23,603,528, C>T on the plus strand (G>A on the coding strand, the complement: PALB2 is on the minus strand). VCF-style: chr16-23603528-C-T. GRCh37 (hg19) VCF-style: chr16-23614849-C-T.
Other names: short protein forms W1164*.
Identifiers: ClinVar variation 246354 (VCV000246354.22), dbSNP rs587782217, ClinGen allele CA10584499.